The following is an entry in ClinVar:

NM_017934.7(PHIP):c.5440G>C (p.Ala1814Pro)

Genes: IRAK1BP1 (interleukin 1 receptor associated kinase 1 binding protein 1; plus strand), PHIP (pleckstrin homology domain interacting protein; minus strand). Cytogenetic location: 6q14.1.
Variant type: single nucleotide variant.
Coding change: c.5440G>C on transcript NM_017934.7 (MANE Select); coding-DNA position 5440, G replaced by C.
Protein change: p.Ala1814Pro; replaces alanine 1814 with proline.
Molecular consequence: missense variant.
Genome position (GRCh38, 1-based): chr6:78,940,719, C>G on the plus strand (G>C on the coding strand, the complement: PHIP is on the minus strand). VCF-style: chr6-78940719-C-G. GRCh37 (hg19) VCF-style: chr6-79650436-C-G.
Other names: short protein forms A1814P.
Identifiers: ClinVar variation 3373188 (VCV003373188.1).
Genomic context (GRCh38, chr6:78,940,719, plus strand): 5'-TTATAGATTTTGAAGTAAAATATTTTGGTACAAGTTACCAACCAATTAAATTAGCTTTTG[C>G]TTTTTCAGTCAACTTTCGGACTCGTCCTCTACTAGAAGTTCCAAAAGTTAAAGAGGTGTC-3'
Protein context (NP_060404.4, residues 1804-1821): RGRVRKLTEK[Ala1814Pro]KANLIGW

ClinVar aggregate classification (germline): Uncertain significance (1 of 4 stars; one submission).

Submission:

GeneDx
Classification: Uncertain significance. Last evaluated: 2024-04-30. Review status: criteria provided, single submitter. Criteria: GeneDx Variant Classification Process June 2021. Collection method: clinical testing. Allele origin: germline. Affected: yes.
Comment: Not observed at significant frequency in large population cohorts (gnomAD); In silico analysis supports that this missense variant has a deleterious effect on protein structure/function; Has not been previously published as pathogenic or benign to our knowledge